The following is an entry in ClinVar:

ClinVar aggregate classification (germline): Likely benign (1 of 4 stars; one submission).

Allele frequency attached by ClinVar (database versions not stated): gnomAD 0.00051.

Submission:

CeGaT Center for Human Genetics Tuebingen
Classification: Likely benign. Last evaluated: 2026-03-01. Review status: criteria provided, single submitter. Criteria: CeGaT Center For Human Genetics Tuebingen Variant Classification Criteria Version 2. Collection method: clinical testing. Allele origin: germline. Affected: yes. Observed: 3 variant alleles.
Comment: FAM186A: BP4, BP7

NM_001145475.3(FAM186A):c.4866T>C (p.Ala1622=)

Gene: FAM186A (family with sequence similarity 186 member A; minus strand). Cytogenetic location: 12q13.12.
Variant type: single nucleotide variant.
Coding change: c.4866T>C on transcript NM_001145475.3 (MANE Select); coding-DNA position 4866, T replaced by C.
Protein change: p.Ala1622=; no amino-acid change (alanine 1622 retained).
Molecular consequence: synonymous variant.
Genome position (GRCh38, 1-based): chr12:50,351,966, A>G on the plus strand (T>C on the coding strand, the complement: FAM186A is on the minus strand). VCF-style: chr12-50351966-A-G. GRCh37 (hg19) VCF-style: chr12-50745749-A-G.
Identifiers: ClinVar variation 3024807 (VCV003024807.22), dbSNP rs1444433781, ClinGen allele CA479769086.